The following is an entry in ClinVar:

NM_003719.5(PDE8B):c.1276C>T (p.Arg426Ter)

Gene: PDE8B (phosphodiesterase 8B; plus strand). Cytogenetic location: 5q13.3.
Variant type: single nucleotide variant.
Coding change: c.1276C>T on transcript NM_003719.5 (MANE Select); coding-DNA position 1276, C replaced by T.
Protein change: p.Arg426Ter; replaces arginine 426 with a stop codon.
Molecular consequence: nonsense.
Genome position (GRCh38, 1-based): chr5:77,404,785, C>T. VCF-style: chr5-77404785-C-T. GRCh37 (hg19) VCF-style: chr5-76700610-C-T.
Other names: c.985C>T, p.Arg329Ter (NM_001029851.4); c.1276C>T, p.Arg426Ter (NM_001029852.4); c.1216C>T, p.Arg406Ter (NM_001029853.4); c.1135C>T, p.Arg379Ter (NM_001029854.4); c.1273C>T, p.Arg425Ter (NM_001349748.3, NM_001349751.3); c.1339C>T, p.Arg447Ter (NM_001349749.3); c.1036C>T, p.Arg346Ter (NM_001349750.3); c.970C>T, p.Arg324Ter (NM_001349752.3); and 12 more; short protein forms R205*, R208*, R228*, R277*, R278*, R298*, R302*, R305*.
Identifiers: ClinVar variation 2505562 (VCV002505562.1), dbSNP rs1793090227, ClinGen allele CA360177736.

ClinVar aggregate classification (germline): Likely pathogenic (1 of 4 stars; one submission).

Conditions:
Autosomal dominant striatal neurodegeneration type 1. Identifiers: Orphanet 228169, MedGen C4310808, MONDO:0012205, OMIM 609161.

Allele frequency attached by ClinVar (database versions not stated): gnomAD exomes below 0.00001.
gnomAD v4.1: 4 of 1,592,368 alleles (0.00025%); highest among the groups gnomAD compares: Non-Finnish European, 0.00034%; no homozygotes.

Submission:

Dr. med. U. Finckh, Human Genetics, Eurofins MVZ
Classification: Likely pathogenic for Autosomal dominant striatal neurodegeneration type 1. Review status: criteria provided, single submitter. Criteria: ACMG Guidelines, 2015. Collection method: clinical testing. Allele origin: unknown.
Comment: No further information about the possible progression.